The following is an entry in ClinVar:

ClinVar aggregate classification (germline): Benign/Likely benign. Review status: criteria provided, multiple submitters, no conflicts (2 of 4 stars). 3 submissions from 3 submitters: Benign (1); Likely benign (2). Last evaluated 2025-12-08.

Allele frequency attached by ClinVar (database versions not stated): gnomAD exomes 0.00009 and 0.00026; ExAC 0.00031; gnomAD 0.00088 and 0.00093; ESP Exome Variant Server 0.00092; 1000 Genomes Project 30x 0.00094; 1000 Genomes Project 0.00100; TOPMed 0.00103.
gnomAD v4.1: 275 of 1,614,154 alleles (0.017%); highest among the groups gnomAD compares: African/African-American, 0.3%; no homozygotes.

Submissions (3):

Labcorp Genetics (formerly Invitae), Labcorp
Classification: Benign. Last evaluated: 2025-12-08. Review status: criteria provided, single submitter. Criteria: Invitae Variant Classification Sherloc (09022015). Collection method: clinical testing. Allele origin: germline.

CeGaT Center for Human Genetics Tuebingen
Classification: Likely benign. Last evaluated: 2024-12-01. Review status: criteria provided, single submitter. Criteria: CeGaT Center For Human Genetics Tuebingen Variant Classification Criteria Version 2. Collection method: clinical testing. Allele origin: germline. Affected: yes. Observed: 1 variant allele.
Comment: FLVCR2: BP4, BP7

Blueprint Genetics
Classification: Likely benign. Last evaluated: 2024-03-01. Review status: criteria provided, single submitter. Criteria: ACMG Guidelines, 2015. Collection method: clinical testing. Allele origin: germline.

NM_017791.3(FLVCR2):c.903C>T (p.Ile301=)

Gene: FLVCR2 (FLVCR choline and putative heme transporter 2; plus strand). Cytogenetic location: 14q24.3.
Variant type: single nucleotide variant.
Coding change: c.903C>T on transcript NM_017791.3 (MANE Select); coding-DNA position 903, C replaced by T.
Protein change: p.Ile301=; no amino-acid change (isoleucine 301 retained).
Molecular consequence: synonymous variant.
Genome position (GRCh38, 1-based): chr14:75,624,703, C>T. VCF-style: chr14-75624703-C-T. GRCh37 (hg19) VCF-style: chr14-76091046-C-T.
Other names: c.288C>T, p.Ile96= (NM_001195283.2).
Identifiers: ClinVar variation 787949 (VCV000787949.23), dbSNP rs145901629, ClinGen allele CA7278348.